The following is an entry in ClinVar:

ClinVar aggregate classification (germline): Uncertain significance. Review status: criteria provided, multiple submitters, no conflicts (2 of 4 stars). 2 submissions from 2 submitters: Uncertain significance (2). Last evaluated 2025-04-28.

Allele frequency attached by ClinVar (database versions not stated): gnomAD exomes below 0.00001; TOPMed 0.00005; gnomAD 0.00004.
gnomAD v4.1: 12 of 1,613,980 alleles (0.00074%); highest among the groups gnomAD compares: African/African-American, 0.016%; no homozygotes.

Submissions (2):

Labcorp Genetics (formerly Invitae), Labcorp
Classification: Uncertain significance. Last evaluated: 2025-04-28. Review status: criteria provided, single submitter. Criteria: Invitae Variant Classification Sherloc (09022015). Collection method: clinical testing. Allele origin: germline.
Comment: This sequence change creates a premature translational stop signal (p.Gln182*) in the SAMD9 gene. While this is not anticipated to result in nonsense mediated decay, it is expected to disrupt the last 1408 amino acid(s) of the SAMD9 protein. This variant is present in population databases (no rsID available, gnomAD 0.01%). This variant has not been reported in the literature in individuals affected with SAMD9-related conditions. ClinVar contains an entry for this variant (Variation ID: 2758358). In summary, the available evidence is currently insufficient to determine the role of this variant in disease. Therefore, it has been classified as a Variant of Uncertain Significance.

GeneDx
Classification: Uncertain significance. Last evaluated: 2024-07-31. Review status: criteria provided, single submitter. Criteria: GeneDx Variant Classification Process June 2021. Collection method: clinical testing. Allele origin: germline. Affected: yes.
Comment: Not observed at significant frequency in large population cohorts (gnomAD); Nonsense variant predicted to result in protein truncation as the last 1408 amino acids are lost, in a gene for which loss of function is not an established mechanism of disease; Has not been previously published as pathogenic or benign to our knowledge; This variant is associated with the following publications: (PMID: 28545555)

NM_017654.4(SAMD9):c.544C>T (p.Gln182Ter)

Gene: SAMD9 (sterile alpha motif domain containing 9; minus strand). Cytogenetic location: 7q21.2.
Variant type: single nucleotide variant.
Coding change: c.544C>T on transcript NM_017654.4 (MANE Select); coding-DNA position 544, C replaced by T.
Protein change: p.Gln182Ter; replaces glutamine 182 with a stop codon.
Molecular consequence: nonsense.
Genome position (GRCh38, 1-based): chr7:93,105,554, G>A on the plus strand (C>T on the coding strand, the complement: SAMD9 is on the minus strand). VCF-style: chr7-93105554-G-A. GRCh37 (hg19) VCF-style: chr7-92734867-G-A.
Other names: c.544C>T (NM_017654.3); c.544C>T, p.Gln182Ter (NM_001193307.2); short protein forms Q182*.
Identifiers: ClinVar variation 2758358 (VCV002758358.4), dbSNP rs919537887, ClinGen allele CA161994682.